The following is an entry in ClinVar:

ClinVar aggregate classification (germline): Pathogenic (1 of 4 stars; one submission).

Conditions:
Erythrocytosis, familial, 3 (ECYT3). Identifiers: Orphanet 247511, MedGen C1853286, MONDO:0012353, OMIM 609820.

Submission:

Labcorp Genetics (formerly Invitae), Labcorp
Classification: Pathogenic for Erythrocytosis, familial, 3. Last evaluated: 2025-12-19. Review status: criteria provided, single submitter. Criteria: Invitae Variant Classification Sherloc (09022015). Collection method: clinical testing. Allele origin: germline.
Comment: This sequence change creates a premature translational stop signal (p.Arg281Thrfs*4) in the EGLN1 gene. It is expected to result in an absent or disrupted protein product. Loss-of-function variants in EGLN1 are known to be pathogenic (PMID: 17933562, 21933857). This variant is not present in population databases (gnomAD no frequency). This premature translational stop signal has been observed in individual(s) with erythrocytosis (PMID: 17933562). For these reasons, this variant has been classified as Pathogenic.

Literature cited by the submitters: PubMed 17933562; PubMed 21933857.

NM_022051.3(EGLN1):c.840dup (p.Arg281fs)

Genes: EGLN1 (egl-9 family hypoxia inducible factor 1; minus strand), LOC129932769 (ATAC-STARR-seq lymphoblastoid active region 2730; plus strand). Cytogenetic location: 1q42.2.
Variant type: Duplication.
Coding change: c.840dup on transcript NM_022051.3 (MANE Select); coding-DNA position 840, one base duplicated (A; older notation c.840dupA).
Protein change: p.Arg281fs; shifts the reading frame from arginine 281.
Molecular consequence: frameshift variant.
Genome position (GRCh38, 1-based): chr1:231,421,049, T duplicated on the plus strand (A on the coding strand, the reverse complement: EGLN1 is on the minus strand). VCF-style (leftmost placement, unchanged base first): chr1-231421048-G-GT. GRCh37 (hg19) VCF-style: chr1-231556794-G-GT.
Other names: c.840dup, p.Arg281fs (NM_001377260.1, NM_001377261.1); short protein forms R281fs.
Identifiers: ClinVar variation 4746929 (VCV004746929.1).
Genomic context (GRCh38, chr1:231,421,048, plus strand): 5'-ACACACTTACTTTCGTCCGGCCATTGATTTTGTAGCTGCCCAGCTTCCCGTTACAGTGGC[G>GT]TATCAGGTCGTCCATGCTGCTCATGAGCAGCCCAATGGTTTCGCAGCCGGGCTCCTTGCC-3'